The following is an entry in ClinVar:

ClinVar aggregate classification (germline): Pathogenic (1 of 4 stars; one submission).

Conditions:
Arrhythmogenic right ventricular dysplasia 8 (ARVD8). Also called: Arrhythmogenic Right Ventricular Dysplasia/Cardiomyopathy 8; ARRHYTHMOGENIC RIGHT VENTRICULAR DYSPLASIA, FAMILIAL, 8; ARRHYTHMOGENIC RIGHT VENTRICULAR CARDIOMYOPATHY 8. Identifiers: MedGen C1843896, MONDO:0011831, OMIM 607450.
Arrhythmogenic cardiomyopathy with wooly hair and keratoderma. Also called: Arrhythmogenic cardiomyopathy with woolly hair and keratoderma; PALMOPLANTAR KERATODERMA WITH LEFT VENTRICULAR CARDIOMYOPATHY AND WOOLLY HAIR; Dilated cardiomyopathy with woolly hair and keratoderma; Carvajal syndrome. Identifiers: Orphanet 65282, MedGen C1854063, MONDO:0011581, OMIM 605676.

Submission:

Labcorp Genetics (formerly Invitae), Labcorp
Classification: Pathogenic for Arrhythmogenic cardiomyopathy with wooly hair and keratoderma; Arrhythmogenic right ventricular dysplasia 8. Last evaluated: 2019-06-17. Review status: criteria provided, single submitter. Criteria: Invitae Variant Classification Sherloc (09022015). Collection method: clinical testing. Allele origin: germline.
Comment: For these reasons, this variant has been classified as Pathogenic. This variant disrupts the C-terminus of the DSP protein. Other variant(s) that disrupt this region (p.Gln2667*) have been determined to be pathogenic (PMID: 20400443). This suggests that variants that disrupt this region of the protein are likely to be causative of disease. This variant has not been reported in the literature in individuals with DSP-related conditions. This variant is not present in population databases (ExAC no frequency). This sequence change results in a premature translational stop signal in the DSP gene (p.Arg1848Glyfs*2). While this is not anticipated to result in nonsense mediated decay, it is expected to disrupt the last 1024 amino acids of the DSP protein.

Literature cited by the submitters: PubMed 20400443.

NM_004415.4(DSP):c.5542del (p.Arg1848fs)

Gene: DSP (desmoplakin; plus strand). Cytogenetic location: 6p24.3.
Variant type: Deletion.
Coding change: c.5542del on transcript NM_004415.4 (MANE Select); coding-DNA position 5542, one base deleted (A; older notation c.5542delA).
Protein change: p.Arg1848fs; shifts the reading frame from arginine 1848.
Molecular consequence: frameshift variant.
Genome position (GRCh38, 1-based): chr6:7,582,804, A deleted. VCF-style (leftmost placement, unchanged base first): chr6-7582803-CA-C. GRCh37 (hg19) VCF-style: chr6-7583036-CA-C.
Other names: c.3745del, p.Arg1249fs (NM_001008844.3); c.4213del, p.Arg1405fs (NM_001319034.2); short protein forms R1249fs, R1405fs, R1848fs.
Identifiers: ClinVar variation 944330 (VCV000944330.10), dbSNP rs1759482084, ClinGen allele CA1139659417.